The following is an entry in ClinVar:

ClinVar aggregate classification (germline): Uncertain significance (1 of 4 stars; one submission).

Conditions:
Hereditary diffuse gastric adenocarcinoma (HDGC). Also called: DIFFUSE GASTRIC AND LOBULAR BREAST CANCER SYNDROME. Identifiers: Orphanet 26106, MedGen C1708349, MONDO:0007648, OMIM 137215.

gnomAD v4.1: 1 of 1,614,126 alleles (0.000062%); highest among the groups gnomAD compares: Non-Finnish European, 0.000085%; no homozygotes.

Submission:

Labcorp Genetics (formerly Invitae), Labcorp
Classification: Uncertain significance for Hereditary diffuse gastric adenocarcinoma. Last evaluated: 2024-04-09. Review status: criteria provided, single submitter. Criteria: Invitae Variant Classification Sherloc (09022015). Collection method: clinical testing. Allele origin: germline.
Comment: This sequence change replaces aspartic acid, which is acidic and polar, with valine, which is neutral and non-polar, at codon 834 of the CDH1 protein (p.Asp834Val). This variant is not present in population databases (gnomAD no frequency). This variant has not been reported in the literature in individuals affected with CDH1-related conditions. An algorithm developed to predict the effect of missense changes on protein structure and function (PolyPhen-2) suggests that this variant is likely to be disruptive. In summary, the available evidence is currently insufficient to determine the role of this variant in disease. Therefore, it has been classified as a Variant of Uncertain Significance.

NM_004360.5(CDH1):c.2501A>T (p.Asp834Val)

Gene: CDH1 (cadherin 1; plus strand). Cytogenetic location: 16q22.1.
Variant type: single nucleotide variant.
Coding change: c.2501A>T on transcript NM_004360.5 (MANE Select); coding-DNA position 2501, A replaced by T.
Protein change: p.Asp834Val; replaces aspartic acid 834 with valine.
Molecular consequence: missense variant.
Genome position (GRCh38, 1-based): chr16:68,833,351, A>T. VCF-style: chr16-68833351-A-T. GRCh37 (hg19) VCF-style: chr16-68867254-A-T.
Other names: c.2318A>T, p.Asp773Val (NM_001317184.2); c.953A>T, p.Asp318Val (NM_001317185.2); c.536A>T, p.Asp179Val (NM_001317186.2); short protein forms D179V, D318V, D773V, D834V.
Identifiers: ClinVar variation 3649242 (VCV003649242.2).